The following is an entry in ClinVar:

NM_001330078.2(NRXN1):c.2008C>T (p.Pro670Ser)

Gene: NRXN1 (neurexin 1; minus strand). Cytogenetic location: 2p16.3.
Variant type: single nucleotide variant.
Coding change: c.2008C>T on transcript NM_001330078.2 (MANE Select); coding-DNA position 2008, C replaced by T.
Protein change: p.Pro670Ser; replaces proline 670 with serine.
Molecular consequence: missense variant.
Genome position (GRCh38, 1-based): chr2:50,538,388, G>A on the plus strand (C>T on the coding strand, the complement: NRXN1 is on the minus strand). VCF-style: chr2-50538388-G-A. GRCh37 (hg19) VCF-style: chr2-50765526-G-A.
Other names: c.2128C>T, p.Pro710Ser (NM_001135659.3); c.1984C>T, p.Pro662Ser (NM_001330077.2, NM_001330082.2, NM_001330095.2); c.1969C>T, p.Pro657Ser (NM_001330083.2, NM_001330084.2); c.2008C>T, p.Pro670Ser (NM_001330085.2, NM_001330086.2, NM_004801.6); c.1924C>T, p.Pro642Ser (NM_001330087.2, NM_001330096.2); c.1954C>T, p.Pro652Ser (NM_001330088.2); c.2005C>T, p.Pro669Ser (NM_001330093.2); c.1996C>T, p.Pro666Ser (NM_001330094.2); short protein forms P652S, P666S, P642S, P670S, P657S, P669S, P710S, P662S.
Identifiers: ClinVar variation 2233747 (VCV002233747.5), dbSNP rs762326241, ClinGen allele CA1654943.
Genomic context (GRCh38, chr2:50,538,388, plus strand): 5'-TGCCATTGTTTTTGCAAGGGTTGCTAAGGCACGGTTTTGCTGTTTCCTTTGAGCAGGAAG[G>A]CTTCACTCCAGCAGTACTTTGAACTTCAGCCATTTGCCGGATATCTTTGCTTTGGCCATC-3'
Protein context (NP_001317007.1, residues 660-680): AEVQSTAGVK[Pro670Ser]SCSKETAKPC

ClinVar aggregate classification (germline): Uncertain significance. Review status: criteria provided, multiple submitters, no conflicts (2 of 4 stars). 2 submissions from 2 submitters: Uncertain significance (2). Last evaluated 2023-04-15.

Conditions:
Inborn genetic diseases. Identifiers: MedGen C0950123, MeSH D030342.
Pitt-Hopkins-like syndrome 2 (PTHSL2). Identifiers: Orphanet 221150, Orphanet 600663, MedGen C3280479, MONDO:0013690, OMIM 614325.

gnomAD v4.1: 15 of 1,613,960 alleles (0.00093%); highest among the groups gnomAD compares: East Asian, 0.0022%; no homozygotes.

Submissions (2):

Labcorp Genetics (formerly Invitae), Labcorp
Classification: Uncertain significance for Pitt-Hopkins-like syndrome 2. Last evaluated: 2023-04-15. Review status: criteria provided, single submitter. Criteria: Invitae Variant Classification Sherloc (09022015). Collection method: clinical testing. Allele origin: germline.
Comment: In summary, the available evidence is currently insufficient to determine the role of this variant in disease. Therefore, it has been classified as a Variant of Uncertain Significance. An algorithm developed to predict the effect of missense changes on protein structure and function (PolyPhen-2) suggests that this variant is likely to be tolerated. ClinVar contains an entry for this variant (Variation ID: 2233747). This variant has not been reported in the literature in individuals affected with NRXN1-related conditions. This variant is present in population databases (rs762326241, gnomAD 0.007%). This sequence change replaces proline, which is neutral and non-polar, with serine, which is neutral and polar, at codon 710 of the NRXN1 protein (p.Pro710Ser).

Ambry Genetics
Classification: Uncertain significance for Inborn genetic diseases. Last evaluated: 2021-06-21. Review status: criteria provided, single submitter. Criteria: Ambry Variant Classification Scheme 2023. Collection method: clinical testing. Allele origin: germline.